The following is an entry in ClinVar:

NM_000393.5(COL5A2):c.256G>A (p.Val86Ile)

Gene: COL5A2 (collagen type V alpha 2 chain; minus strand). Cytogenetic location: 2q32.2.
Variant type: single nucleotide variant.
Coding change: c.256G>A on transcript NM_000393.5 (MANE Select); coding-DNA position 256, G replaced by A.
Protein change: p.Val86Ile; replaces valine 86 with isoleucine.
Molecular consequence: missense variant.
Genome position (GRCh38, 1-based): chr2:189,110,291, C>T on the plus strand (G>A on the coding strand, the complement: COL5A2 is on the minus strand). VCF-style: chr2-189110291-C-T. GRCh37 (hg19) VCF-style: chr2-189975017-C-T.
Other names: short protein forms V86I.
Identifiers: ClinVar variation 1389162 (VCV001389162.6), dbSNP rs1387694873, ClinGen allele CA349867714.
Genomic context (GRCh38, chr2:189,110,291, plus strand): 5'-TGGTATTGCCACCTCCAGGTGTTTGTGAACAGACAGGACAGCATTCCCCAGGGGGCGTTA[C>T]AGGGTCGGCACAGTCCAGCACATCCTGGCATTCTATCTTGTCACAGAGAATGGCTCCATT-3'
Protein context (NP_000384.2, residues 76-96): CQDVLDCADP[Val86Ile]TPPGECCPVC

ClinVar aggregate classification (germline): Uncertain significance (1 of 4 stars; one submission).

Conditions:
Ehlers-Danlos syndrome, classic type, 1 (EDSCL1). Also called: EHLERS-DANLOS SYNDROME, GRAVIS TYPE; EHLERS-DANLOS SYNDROME, SEVERE CLASSIC TYPE; Ehlers-Danlos syndrome, type 1; Ehlers-Danlos Syndrome, Classic Type, COL5A1-Related; EDS I. Identifiers: MedGen C0268335, MONDO:0019567, OMIM 130000.

Allele frequency attached by ClinVar (database versions not stated): gnomAD exomes below 0.00001.
gnomAD v4.1: 2 of 1,614,138 alleles (0.00012%); highest among the groups gnomAD compares: South Asian, 0.0022%; no homozygotes.

Submission:

Labcorp Genetics (formerly Invitae), Labcorp
Classification: Uncertain significance for Ehlers-Danlos syndrome, classic type, 1. Last evaluated: 2021-10-24. Review status: criteria provided, single submitter. Criteria: Invitae Variant Classification Sherloc (09022015). Collection method: clinical testing. Allele origin: germline.
Comment: This variant has not been reported in the literature in individuals affected with COL5A2-related conditions. This variant is present in population databases (no rsID available, gnomAD 0.003%). This sequence change replaces valine, which is neutral and non-polar, with isoleucine, which is neutral and non-polar, at codon 86 of the COL5A2 protein (p.Val86Ile). Advanced modeling of protein sequence and biophysical properties (such as structural, functional, and spatial information, amino acid conservation, physicochemical variation, residue mobility, and thermodynamic stability) performed at Invitae indicates that this missense variant is not expected to disrupt COL5A2 protein function. In summary, the available evidence is currently insufficient to determine the role of this variant in disease. Therefore, it has been classified as a Variant of Uncertain Significance.